The following is an entry in ClinVar:

ClinVar aggregate classification (germline): Uncertain significance (1 of 4 stars; one submission).

Conditions:
Hereditary sensory and autonomic neuropathy type 6. Also called: Neuropathy, hereditary sensory and autonomic, type VI; HSAN VI. Identifiers: Orphanet 314381, MedGen C3539003, MONDO:0013839, OMIM 614653.
Epidermolysis bullosa simplex 3, localized or generalized intermediate, with BP230 deficiency (EBS3). Also called: Epidermolysis bullosa simplex due to BP230 deficiency; Epidermolysis bullosa simplex, autosomal recessive 2. Identifiers: Orphanet 412181, MedGen C3809470, MONDO:0014180, OMIM 615425.

Allele frequency attached by ClinVar (database versions not stated): TOPMed below 0.00001.
gnomAD v4.1: 3 of 1,609,066 alleles (0.00019%); highest among the groups gnomAD compares: South Asian, 0.0011%; no homozygotes.

Submission:

Labcorp Genetics (formerly Invitae), Labcorp
Classification: Uncertain significance for Epidermolysis bullosa simplex 3, localized or generalized intermediate, with BP230 deficiency; Hereditary sensory and autonomic neuropathy type 6. Last evaluated: 2022-07-19. Review status: criteria provided, single submitter. Criteria: Invitae Variant Classification Sherloc (09022015). Collection method: clinical testing. Allele origin: germline.
Comment: In summary, the available evidence is currently insufficient to determine the role of this variant in disease. Therefore, it has been classified as a Variant of Uncertain Significance. Experimental studies and prediction algorithms are not available or were not evaluated, and the functional significance of this variant is currently unknown. This variant has not been reported in the literature in individuals affected with DST-related conditions. This variant is not present in population databases (gnomAD no frequency). This sequence change replaces alanine, which is neutral and non-polar, with threonine, which is neutral and polar, at codon 4828 of the DST protein (p.Ala4828Thr). The DST gene has multiple clinically relevant transcripts. This variant occurs in alternate transcript NM_015548.4, and corresponds to NM_001723.5:c.*145264G>A in the primary transcript.

NM_001374736.1(DST):c.22351G>A (p.Ala7451Thr)

Gene: DST (dystonin; minus strand). Cytogenetic location: 6p12.1.
Variant type: single nucleotide variant.
Coding change: c.22351G>A on transcript NM_001374736.1 (MANE Select); coding-DNA position 22351, G replaced by A.
Protein change: p.Ala7451Thr; replaces alanine 7451 with threonine.
Molecular consequence: missense variant.
Genome position (GRCh38, 1-based): chr6:56,470,253, C>T on the plus strand (G>A on the coding strand, the complement: DST is on the minus strand). VCF-style: chr6-56470253-C-T. GRCh37 (hg19) VCF-style: chr6-56335051-C-T.
Other names: c.15994G>A, p.Ala5332Thr (NM_001144769.5); c.15580G>A, p.Ala5194Thr (NM_001144770.2); c.22351G>A, p.Ala7451Thr (NM_001374722.1); c.21391G>A, p.Ala7131Thr (NM_001374729.1); c.15133G>A, p.Ala5045Thr (NM_001374730.1); c.22378G>A, p.Ala7460Thr (NM_001374734.1); c.15460G>A, p.Ala5154Thr (NM_001386100.1, NM_183380.4); c.14482G>A, p.Ala4828Thr (NM_015548.5); short protein forms A5332T, A7131T, A5045T, A5154T, A5194T, A7451T, A4828T, A7460T.
Identifiers: ClinVar variation 1482589 (VCV001482589.6), dbSNP rs1334080899, ClinGen allele CA364507105.
Genomic context (GRCh38, chr6:56,470,253, plus strand): 5'-CTACAAATTCATAGTAGTCAATATATCCATCGCCATCTCTGTCAAAGATGTCTGCAACTG[C>T]GCTCATCTCCAAGCGACTGGTTGGAAACTCTAAAATTTTGAAAACAATGGTAAGTAGTGA-3'
Protein context (NP_001361665.1, residues 7441-7461): KFPTSRLEMS[Ala7451Thr]VADIFDRDGD